The following is an entry in ClinVar:

NC_000016.9:g.(?_78133656)_(78658393_?)dup

Genes: WWOX (WW domain containing oxidoreductase; plus strand), WWOX-AS1 (WWOX antisense RNA 1; minus strand), LOC132090429 (Neanderthal introgressed variant-containing enhancer experimental_45980; plus strand), LOC132090430 (Neanderthal introgressed variant-containing enhancer experimental_46047; plus strand), LOC110120570 (VISTA enhancer hs12; plus strand) and 9 more. Cytogenetic location: 16q23.1.
Variant type: Duplication.
Identifiers: ClinVar variation 583748 (VCV000583748.3).

ClinVar aggregate classification (germline): Uncertain significance (1 of 4 stars; one submission).

Conditions:
Autosomal recessive spinocerebellar ataxia 12. Also called: SPINOCEREBELLAR ATAXIA WITH MENTAL RETARDATION AND EPILEPSY. Identifiers: Orphanet 284282, MedGen C3280452, MONDO:0013687, OMIM 614322.
Developmental and epileptic encephalopathy, 1 (DEE1). Also called: X-linked infantile spasms; West's syndrome; Tonic spasms with clustering, arrest of psychomotor development and hypsarrhythmia on EEG; X-Linked Infantile Spasm Syndrome; OHTAHARA SYNDROME, X-LINKED; INFANTILE SPASM SYNDROME, X-LINKED 1. Identifiers: MedGen C3463992, MONDO:0010632, OMIM 308350. Disease mechanism: loss of function.

Submission:

Labcorp Genetics (formerly Invitae), Labcorp
Classification: Uncertain significance for Epileptic encephalopathy, early infantile, 1; Spinocerebellar ataxia, autosomal recessive 12. Last evaluated: 2019-11-23. Review status: criteria provided, single submitter. Criteria: Invitae Variant Classification Sherloc (09022015). Collection method: clinical testing. Allele origin: germline.
Comment: This variant results in a copy number gain of the genomic region encompassing exons 1-8 of the WWOX gene, which includes the initiator codon. The 5' end of this event is unknown as it extends beyond the assayed region for this gene and therefore may encompass additional genes. The 3' boundary is likely confined to intron 8 of the WWOX gene. As the precise location of this event is unknown, it may be in tandem or it may be located elsewhere in the genome. This copy-number variant has not been reported in the literature in individuals with WWOX-related conditions. However, larger copy number events that include this portion of the gene have been reported (PMID: 27569545). In summary, the available evidence is currently insufficient to determine the role of this variant in disease. Therefore, it has been classified as a Variant of Uncertain Significance.

Literature cited by the submitters: PubMed 27569545.